The following is an entry in ClinVar:

ClinVar aggregate classification (germline): Pathogenic (1 of 4 stars; one submission).

Submission:

Labcorp Genetics (formerly Invitae), Labcorp
Classification: Pathogenic. Last evaluated: 2023-10-06. Review status: criteria provided, single submitter. Criteria: Invitae Variant Classification Sherloc (09022015). Collection method: clinical testing. Allele origin: germline.
Comment: This sequence change creates a premature translational stop signal (p.Lys134Argfs*107) in the SLC39A4 gene. It is expected to result in an absent or disrupted protein product. Loss-of-function variants in SLC39A4 are known to be pathogenic (PMID: 12955721). This variant is not present in population databases (gnomAD no frequency). This variant has not been reported in the literature in individuals affected with SLC39A4-related conditions. For these reasons, this variant has been classified as Pathogenic.

Literature cited by the submitters: PubMed 12955721.

NM_130849.4(SLC39A4):c.400_401insG (p.Lys134fs)

Gene: SLC39A4 (solute carrier family 39 member 4; minus strand). Cytogenetic location: 8q24.3.
Variant type: Insertion.
Coding change: c.400_401insG on transcript NM_130849.4 (MANE Select); coding-DNA positions 400 to 401, G inserted.
Protein change: p.Lys134fs; shifts the reading frame from lysine 134.
Molecular consequence: frameshift variant. On other transcripts: intron variant (1).
Genome position: GRCh38 VCF-style: chr8-144415883-T-TC. GRCh37 (hg19) VCF-style: chr8-145641267-T-TC.
Other names: c.325_326insG, p.Lys109fs (NM_017767.3); c.193-465_193-464insG (NM_001374839.1); short protein forms K134fs, K109fs.
Identifiers: ClinVar variation 2766403 (VCV002766403.3), dbSNP rs2537438002, ClinGen allele CA2697550263.